The following is an entry in ClinVar:

NM_001378457.1(DMXL2):c.1702A>G (p.Ile568Val)

Gene: DMXL2 (Dmx like 2; minus strand). Cytogenetic location: 15q21.2.
Variant type: single nucleotide variant.
Coding change: c.1702A>G on transcript NM_001378457.1 (MANE Select); coding-DNA position 1702, A replaced by G.
Protein change: p.Ile568Val; replaces isoleucine 568 with valine.
Molecular consequence: missense variant. On other transcripts: non-coding transcript variant (2).
Genome position (GRCh38, 1-based): chr15:51,536,778, T>C on the plus strand (A>G on the coding strand, the complement: DMXL2 is on the minus strand). VCF-style: chr15-51536778-T-C. GRCh37 (hg19) VCF-style: chr15-51828975-T-C.
Other names: c.1702A>G (NM_001174116.1); c.1702A>G, p.Ile568Val (NM_001174116.3, NM_001174117.3, NM_001378458.1 and 6 more transcripts); c.1462A>G, p.Ile488Val (NM_001378464.1); short protein forms I488V, I568V.
Identifiers: ClinVar variation 1570972 (VCV001570972.11), dbSNP rs139285700, ClinGen allele CA7562522.

ClinVar aggregate classification (germline): Likely benign. Review status: criteria provided, multiple submitters, no conflicts (2 of 4 stars). 4 submissions from 4 submitters: Likely benign (3). 1 of the submissions does not count toward it. Last evaluated 2026-01-26.

Conditions:
Inborn genetic diseases. Identifiers: MedGen C0950123, MeSH D030342.
DMXL2-related disorder. Also called: DMXL2-related condition.

Allele frequency attached by ClinVar (database versions not stated): gnomAD exomes 0.00009 and 0.00021; ExAC 0.00025; gnomAD 0.00094 and 0.00101; ESP Exome Variant Server 0.00077; TOPMed 0.00114; 1000 Genomes Project 0.00120; 1000 Genomes Project 30x 0.00125.
gnomAD v4.1: 278 of 1,614,026 alleles (0.017%); highest among the groups gnomAD compares: African/African-American, 0.35%; 1 homozygote.

Submissions (4):

Labcorp Genetics (formerly Invitae), Labcorp
Classification: Likely benign. Last evaluated: 2026-01-26. Review status: criteria provided, single submitter. Criteria: Invitae Variant Classification Sherloc (09022015). Collection method: clinical testing. Allele origin: germline.

Ambry Genetics
Classification: Likely benign for Inborn genetic diseases. Last evaluated: 2025-11-04. Review status: criteria provided, single submitter. Criteria: Ambry Variant Classification Scheme 2023. Collection method: clinical testing. Allele origin: germline.

Breakthrough Genomics
Classification: Likely benign. Review status: criteria provided, single submitter. Criteria: ACMG Guidelines, 2015. Collection method: not provided. Allele origin: germline. Inheritance: Autosomal recessive inheritance. Affected: yes.

PreventionGenetics, part of Exact Sciences
Classification: Likely benign for DMXL2-related condition. Last evaluated: 2024-03-11. Review status: no assertion criteria provided. Collection method: clinical testing. Allele origin: germline. Not counted in ClinVar's aggregate classification.
Comment: This variant is classified as likely benign based on ACMG/AMP sequence variant interpretation guidelines (Richards et al. 2015 PMID: 25741868, with internal and published modifications).